The following is an entry in ClinVar:

ClinVar aggregate classification (germline): Uncertain significance (1 of 4 stars; one submission).

Conditions:
Hereditary cancer-predisposing syndrome. Also called: Neoplastic Syndromes, Hereditary; Hereditary Cancer Syndrome; Hereditary neoplastic syndrome; Tumor predisposition. Identifiers: Orphanet 140162, MedGen C0027672, MeSH D009386, MONDO:0015356.

Submission:

Ambry Genetics
Classification: Uncertain significance for Hereditary cancer-predisposing syndrome. Last evaluated: 2023-06-08. Review status: criteria provided, single submitter. Criteria: Ambry Variant Classification Scheme 2023. Collection method: clinical testing. Allele origin: germline.
Comment: The c.359-7_359-5delGCCinsACG intronic variant, located in intron 2 of the MSH3 gene, results from an in-frame deletion of 3 nucleotides (GCC) and the insertion of 3 nucleotides(ACG) at nucleotide positions 359-7 to 359-5. This nucleotide region is not well conserved in available vertebrate species. In silico splice site analysis predicts that this alteration may weaken the native splice acceptor site. Since supporting evidence is limited at this time, the clinical significance of this alteration remains unclear.

NM_002439.5(MSH3):c.359-7_359-5delinsACG

Gene: MSH3 (mutS homolog 3; plus strand). Cytogenetic location: 5q14.1.
Variant type: Indel.
Coding change: c.359-7_359-5delinsACG on transcript NM_002439.5 (MANE Select); 7 bases into the intron before coding-DNA position 359 through 5 bases into the intron before coding-DNA position 359, GCC replaced by ACG.
Molecular consequence: intron variant.
Genome position (GRCh38, 1-based): chr5:80,665,136-80,665,138, GCC replaced by ACG. VCF-style: chr5-80665136-GCC-ACG. GRCh37 (hg19) VCF-style: chr5-79960955-GCC-ACG.
Identifiers: ClinVar variation 2565674 (VCV002565674.2), dbSNP rs2546717302, ClinGen allele CA2580613573.